The following is an entry in ClinVar:

ClinVar aggregate classification (germline): Uncertain significance (1 of 4 stars; one submission).

Conditions:
CREBBP-related disorder. Also called: CREBBP-related disorders; CREBBP-related condition.

gnomAD v4.1: 2 of 1,548,684 alleles (0.00013%); highest among the groups gnomAD compares: Non-Finnish European, 0.00017%; no homozygotes.

Submission:

PreventionGenetics, part of Exact Sciences
Classification: Uncertain significance for CREBBP-related condition. Last evaluated: 2025-11-25. Review status: criteria provided, single submitter. Criteria: ACMG Guidelines, 2015. Collection method: clinical testing. Allele origin: germline.
Comment: The CREBBP c.5891G>C variant is predicted to result in the amino acid substitution p.Arg1964Pro. To our knowledge, this variant has not been reported in the literature. This variant is reported in 0.0016% of alleles in individuals of European (Non-Finnish) descent in gnomAD. At this time, the clinical significance of this variant is uncertain due to the absence of conclusive functional and genetic evidence.

NM_004380.3(CREBBP):c.5891G>C (p.Arg1964Pro)

Gene: CREBBP (CREB binding lysine acetyltransferase; minus strand). Cytogenetic location: 16p13.3.
Variant type: single nucleotide variant.
Coding change: c.5891G>C on transcript NM_004380.3 (MANE Select); coding-DNA position 5891, G replaced by C.
Protein change: p.Arg1964Pro; replaces arginine 1964 with proline.
Molecular consequence: missense variant.
Genome position (GRCh38, 1-based): chr16:3,729,156, C>G on the plus strand (G>C on the coding strand, the complement: CREBBP is on the minus strand). VCF-style: chr16-3729156-C-G. GRCh37 (hg19) VCF-style: chr16-3779157-C-G.
Other names: c.5777G>C, p.Arg1926Pro (NM_001079846.1); short protein forms R1926P, R1964P.
Identifiers: ClinVar variation 4994844 (VCV004994844.1).